The following is an entry in ClinVar:

ClinVar aggregate classification (germline): Pathogenic. Review status: criteria provided, multiple submitters, no conflicts (2 of 4 stars). 2 submissions from 2 submitters: Pathogenic (2). Last evaluated 2024-02-01.

Allele frequency attached by ClinVar (database versions not stated): gnomAD exomes 0.00001 and 0.00002; TOPMed 0.00001; ExAC 0.00002.

Submissions (2):

Labcorp Genetics (formerly Invitae), Labcorp
Classification: Pathogenic. Last evaluated: 2024-02-01. Review status: criteria provided, single submitter. Criteria: Invitae Variant Classification Sherloc (09022015). Collection method: clinical testing. Allele origin: germline.
Comment: This sequence change creates a premature translational stop signal (p.Trp529*) in the VLDLR gene. It is expected to result in an absent or disrupted protein product. Loss-of-function variants in VLDLR are known to be pathogenic (PMID: 18043714, 18326629, 22532556). This variant is present in population databases (rs745973997, gnomAD 0.04%). This variant has not been reported in the literature in individuals affected with VLDLR-related conditions. ClinVar contains an entry for this variant (Variation ID: 265344). Algorithms developed to predict the effect of sequence changes on RNA splicing suggest that this variant may disrupt the consensus splice site. For these reasons, this variant has been classified as Pathogenic.

GeneDx
Classification: Pathogenic. Last evaluated: 2015-08-13. Review status: criteria provided, single submitter. Criteria: GeneDx Variant Classification (06012015). Collection method: clinical testing. Allele origin: germline. Affected: yes.
Comment: The W529X nonsense variant in the VLDLR gene is predicted to cause loss of normal protein function either through protein truncation or nonsense-mediated mRNA decay. It was not observed in approximately 6,500 individuals of European and African American ancestry in the NHLBI Exome Sequencing Project, indicating it is not a common benign variant in these populations. Although this variant has not been reported previously to our knowledge, it is expected to be a pathogenic variant.

Literature cited by the submitters: PubMed 18043714 (cited by Labcorp Genetics (formerly Invitae), Labcorp); PubMed 18326629 (cited by Labcorp Genetics (formerly Invitae), Labcorp); PubMed 22532556 (cited by Labcorp Genetics (formerly Invitae), Labcorp).

NM_003383.5(VLDLR):c.1586G>A (p.Trp529Ter)

Gene: VLDLR (very low density lipoprotein receptor; plus strand). Cytogenetic location: 9p24.2.
Variant type: single nucleotide variant.
Coding change: c.1586G>A on transcript NM_003383.5 (MANE Select); coding-DNA position 1586, G replaced by A.
Protein change: p.Trp529Ter; replaces tryptophan 529 with a stop codon.
Molecular consequence: nonsense.
Genome position (GRCh38, 1-based): chr9:2,646,435, G>A. VCF-style: chr9-2646435-G-A. GRCh37 (hg19) VCF-style: chr9-2646435-G-A.
Other names: c.1586G>A, p.Trp529Ter (NM_001018056.3); c.1463G>A, p.Trp488Ter (NM_001322225.2, NM_001322226.2); short protein forms W529*, W488*.
Identifiers: ClinVar variation 265344 (VCV000265344.5), dbSNP rs745973997, ClinGen allele CA4964886.
Genomic context (GRCh38, chr9:2,646,435, plus strand): 5'-TCGACAATGTCTATAATCCTGCAGCCATTGCTGTTGATTGGGTGTACAAGACCATCTACT[G>A]GACTGATGCGGCTTCTAAGACTATTTCAGTAGCTACCCTAGATGGAACCAAGAGGAAGTT-3'